The following is an entry in ClinVar:

ClinVar aggregate classification (germline): Uncertain significance. Review status: criteria provided, multiple submitters, no conflicts (2 of 4 stars). 3 submissions from 3 submitters: Uncertain significance (3). Last evaluated 2023-06-23.

Conditions:
Intellectual disability. Also called: Intellectual functioning disability; Intellectual developmental disorder; intellectual disabilities. Identifiers: MedGen C3714756, MeSH D008607, MONDO:0001071, HP:0001249.
FG syndrome (FGS). Identifiers: MedGen C0220769, MONDO:0002010.

Submissions (3):

Labcorp Genetics (formerly Invitae), Labcorp
Classification: Uncertain significance for FG syndrome. Last evaluated: 2023-06-23. Review status: criteria provided, single submitter. Criteria: Invitae Variant Classification Sherloc (09022015). Collection method: clinical testing. Allele origin: germline.
Comment: In summary, the available evidence is currently insufficient to determine the role of this variant in disease. Therefore, it has been classified as a Variant of Uncertain Significance. Advanced modeling of protein sequence and biophysical properties (such as structural, functional, and spatial information, amino acid conservation, physicochemical variation, residue mobility, and thermodynamic stability) has been performed at Invitae for this missense variant, however the output from this modeling did not meet the statistical confidence thresholds required to predict the impact of this variant on MED12 protein function. ClinVar contains an entry for this variant (Variation ID: 1048637). This variant has not been reported in the literature in individuals affected with MED12-related conditions. This variant is not present in population databases (gnomAD no frequency). This sequence change replaces glutamic acid, which is acidic and polar, with lysine, which is basic and polar, at codon 1497 of the MED12 protein (p.Glu1497Lys).

GeneDx
Classification: Uncertain significance. Last evaluated: 2022-10-25. Review status: criteria provided, single submitter. Criteria: GeneDx Variant Classification Process June 2021. Collection method: clinical testing. Allele origin: germline. Affected: yes.
Comment: Not observed at significant frequency in large population cohorts (gnomAD); In silico analysis supports that this missense variant has a deleterious effect on protein structure/function; Has not been previously published as pathogenic or benign to our knowledge; This variant is associated with the following publications: (PMID: 27535533)

MVZ Martinsried, Medicover Genetics
Classification: Uncertain significance for Intellectual disability. Last evaluated: 2021-03-10. Review status: criteria provided, single submitter. Criteria: ACGS Guidelines, 2020. Collection method: clinical testing. Allele origin: unknown. Affected: yes.

NM_005120.3(MED12):c.4489G>A (p.Glu1497Lys)

Gene: MED12 (mediator complex subunit 12; plus strand). Cytogenetic location: Xq13.1.
Variant type: single nucleotide variant.
Coding change: c.4489G>A on transcript NM_005120.3 (MANE Select); coding-DNA position 4489, G replaced by A.
Protein change: p.Glu1497Lys; replaces glutamic acid 1497 with lysine.
Molecular consequence: missense variant.
Genome position (GRCh38, 1-based): chrX:71,132,918, G>A. VCF-style: chrX-71132918-G-A. GRCh37 (hg19) VCF-style: chrX-70352768-G-A.
Other names: c.4489G>A (NM_005120.2); short protein forms E1497K.
Identifiers: ClinVar variation 1048637 (VCV001048637.6), dbSNP rs868164882, ClinGen allele CA330982122.